The following is an entry in ClinVar:

ClinVar aggregate classification (germline): Uncertain significance. Review status: criteria provided, multiple submitters, no conflicts (2 of 4 stars). 2 submissions from 2 submitters: Uncertain significance (2). Last evaluated 2024-11-20.

Conditions:
Cardiovascular phenotype. Identifiers: MedGen CN230736.
Alstrom syndrome (ALMS). Identifiers: Orphanet 64, MedGen C0268425, MONDO:0008763, OMIM 203800.

Allele frequency attached by ClinVar (database versions not stated): TOPMed below 0.00001.

Submissions (2):

Ambry Genetics
Classification: Uncertain significance for Cardiovascular phenotype. Last evaluated: 2024-11-20. Review status: criteria provided, single submitter. Criteria: Ambry Variant Classification Scheme 2023. Collection method: clinical testing. Allele origin: germline.
Comment: The p.S1332F variant (also known as c.3995C>T), located in coding exon 8 of the ALMS1 gene, results from a C to T substitution at nucleotide position 3995. The serine at codon 1332 is replaced by phenylalanine, an amino acid with highly dissimilar properties. This amino acid position is well conserved in available vertebrate species. In addition, this alteration is predicted to be tolerated by in silico analysis. Based on the available evidence, the clinical significance of this variant remains unclear.

Labcorp Genetics (formerly Invitae), Labcorp
Classification: Uncertain significance for Alstrom syndrome. Last evaluated: 2022-07-27. Review status: criteria provided, single submitter. Criteria: Invitae Variant Classification Sherloc (09022015). Collection method: clinical testing. Allele origin: germline.
Comment: This sequence change replaces serine, which is neutral and polar, with phenylalanine, which is neutral and non-polar, at codon 1332 of the ALMS1 protein (p.Ser1332Phe). This variant is not present in population databases (gnomAD no frequency). This variant has not been reported in the literature in individuals affected with ALMS1-related conditions. Experimental studies and prediction algorithms are not available or were not evaluated, and the functional significance of this variant is currently unknown. In summary, the available evidence is currently insufficient to determine the role of this variant in disease. Therefore, it has been classified as a Variant of Uncertain Significance.

NM_001378454.1(ALMS1):c.3992C>T (p.Ser1331Phe)

Gene: ALMS1 (ALMS1 centrosome and basal body associated protein; plus strand). Cytogenetic location: 2p13.1.
Variant type: single nucleotide variant.
Coding change: c.3992C>T on transcript NM_001378454.1 (MANE Select); coding-DNA position 3992, C replaced by T.
Protein change: p.Ser1331Phe; replaces serine 1331 with phenylalanine.
Molecular consequence: missense variant.
Genome position (GRCh38, 1-based): chr2:73,450,519, C>T. VCF-style: chr2-73450519-C-T. GRCh37 (hg19) VCF-style: chr2-73677646-C-T.
Other names: c.3995C>T, p.Ser1332Phe (NM_015120.4); short protein forms S1332F, S1331F.
Identifiers: ClinVar variation 1900620 (VCV001900620.3), dbSNP rs1671910525, ClinGen allele CA347277232.
Genomic context (GRCh38, chr2:73,450,519, plus strand): 5'-AGAATGTTTCAGCGGTTCCTGGACCAGCTGACCAGAAGACTGTGATACCAATTTTACCCT[C>T]TACTTTCTACTCACACACAGAGAAGCCTGGTGTTTTCTACCAACAGGTCTTGCCACATAG-3'
Protein context (NP_001365383.1, residues 1321-1341): DQKTVIPILP[Ser1331Phe]TFYSHTEKPG